The following is an entry in ClinVar:

ClinVar aggregate classification (germline): Likely benign (1 of 4 stars; one submission).

Submission:

CeGaT Center for Human Genetics Tuebingen
Classification: Likely benign. Last evaluated: 2022-05-01. Review status: criteria provided, single submitter. Criteria: CeGaT Center For Human Genetics Tuebingen Variant Classification Criteria Version 2. Collection method: clinical testing. Allele origin: germline. Affected: yes. Observed: 1 variant allele.
Comment: FHL1: BP4

NM_001159699.2(FHL1):c.888G>T (p.Leu296=)

Gene: FHL1 (four and a half LIM domains 1; plus strand). Cytogenetic location: Xq26.3.
Variant type: single nucleotide variant.
Coding change: c.888G>T on transcript NM_001159699.2 (MANE Select); coding-DNA position 888, G replaced by T.
Protein change: p.Leu296=; no amino-acid change (leucine 296 retained).
Molecular consequence: synonymous variant. On other transcripts: 3 prime UTR variant (6), non-coding transcript variant (1).
Genome position (GRCh38, 1-based): chrX:136,210,022, G>T. VCF-style: chrX-136210022-G-T. GRCh37 (hg19) VCF-style: chrX-135292181-G-T.
Other names: c.840G>T, p.Leu280= (NM_001159700.2, NM_001159704.1, NM_001167819.1 and 4 more transcripts); c.927G>T, p.Leu309= (NM_001159701.2); c.*68G>T (NM_001159702.3, NM_001159703.2, NM_001330659.2 and 3 more transcripts).
Identifiers: ClinVar variation 1695318 (VCV001695318.31), dbSNP rs1240522766, ClinGen allele CA2580101601.